The following is an entry in ClinVar:

ClinVar aggregate classification (germline): Conflicting classifications of pathogenicity. Review status: criteria provided, conflicting classifications (1 of 4 stars). 2 submissions from 2 submitters: Likely pathogenic (1); Uncertain significance (1). Last evaluated 2022-11-01.

Submissions (2):

Labcorp Genetics (formerly Invitae), Labcorp
Classification: Uncertain significance. Last evaluated: 2022-11-01. Review status: criteria provided, single submitter. Criteria: Invitae Variant Classification Sherloc (09022015). Collection method: clinical testing. Allele origin: germline.
Comment: In summary, the available evidence is currently insufficient to determine the role of this variant in disease. Therefore, it has been classified as a Variant of Uncertain Significance. Algorithms developed to predict the effect of missense changes on protein structure and function (SIFT, PolyPhen-2, Align-GVGD) all suggest that this variant is likely to be disruptive. ClinVar contains an entry for this variant (Variation ID: 191011). This missense change has been observed in individual(s) with Leber congenital amaurosis (PMID: 26355662). This variant is not present in population databases (gnomAD no frequency). This sequence change replaces phenylalanine, which is neutral and non-polar, with serine, which is neutral and polar, at codon 538 of the PDE6C protein (p.Phe538Ser).

Genomic Medicine Center of Excellence, King Faisal Specialist Hospital and Research Centre
Classification: Likely pathogenic. Review status: criteria provided, single submitter. Criteria: ACMG Guidelines, 2015. Collection method: research. Allele origin: germline. Affected: yes.

Literature cited by the submitters: PubMed 26355662 (cited by Labcorp Genetics (formerly Invitae), Labcorp).

NM_006204.4(PDE6C):c.1613T>C (p.Phe538Ser)

Gene: PDE6C (phosphodiesterase 6C; plus strand). Cytogenetic location: 10q23.33.
Variant type: single nucleotide variant.
Coding change: c.1613T>C on transcript NM_006204.4 (MANE Select); coding-DNA position 1613, T replaced by C.
Protein change: p.Phe538Ser; replaces phenylalanine 538 with serine.
Molecular consequence: missense variant.
Genome position (GRCh38, 1-based): chr10:93,640,200, T>C. VCF-style: chr10-93640200-T-C. GRCh37 (hg19) VCF-style: chr10-95399957-T-C.
Other names: short protein forms F538S.
Identifiers: ClinVar variation 191011 (VCV000191011.10), dbSNP rs786205462, ClinGen allele CA235813.